The following is an entry in ClinVar:

NM_001013838.3(CARMIL2):c.882A>T (p.Ala294=)

Gene: CARMIL2 (capping protein regulator and myosin 1 linker 2; plus strand). Cytogenetic location: 16q22.1.
Variant type: single nucleotide variant.
Coding change: c.882A>T on transcript NM_001013838.3 (MANE Select); coding-DNA position 882, A replaced by T.
Protein change: p.Ala294=; no amino-acid change (alanine 294 retained).
Molecular consequence: synonymous variant.
Genome position (GRCh38, 1-based): chr16:67,647,690, A>T. VCF-style: chr16-67647690-A-T. GRCh37 (hg19) VCF-style: chr16-67681593-A-T.
Other names: c.882A>T (NM_001013838.1); c.882A>T, p.Ala294= (NM_001317026.3).
Identifiers: ClinVar variation 1164530 (VCV001164530.12), dbSNP rs200137927, ClinGen allele CA8113263.

ClinVar aggregate classification (germline): Benign/Likely benign. Review status: criteria provided, multiple submitters, no conflicts (2 of 4 stars). 3 submissions from 3 submitters: Benign (1); Likely benign (1). 1 of the submissions does not count toward it. Last evaluated 2026-01-22.

Conditions:
CARMIL2-related disorder. Also called: CARMIL2-related condition.

Allele frequency attached by ClinVar (database versions not stated): gnomAD exomes 0.00018 and 0.00042; ExAC 0.00073; 1000 Genomes Project 0.00180; gnomAD 0.00197 and 0.00217; ESP Exome Variant Server 0.00223; 1000 Genomes Project 30x 0.00234.
gnomAD v4.1: 566 of 1,599,636 alleles (0.035%); highest among the groups gnomAD compares: African/African-American, 0.68%; 3 homozygotes.

Submissions (3):

Labcorp Genetics (formerly Invitae), Labcorp
Classification: Benign. Last evaluated: 2026-01-22. Review status: criteria provided, single submitter. Criteria: Invitae Variant Classification Sherloc (09022015). Collection method: clinical testing. Allele origin: germline.

Blueprint Genetics
Classification: Likely benign. Last evaluated: 2024-02-08. Review status: criteria provided, single submitter. Criteria: ACMG Guidelines, 2015. Collection method: clinical testing. Allele origin: germline.

PreventionGenetics, part of Exact Sciences
Classification: Likely benign for CARMIL2-related condition. Last evaluated: 2024-08-07. Review status: no assertion criteria provided. Collection method: clinical testing. Allele origin: germline. Not counted in ClinVar's aggregate classification.
Comment: This variant is classified as likely benign based on ACMG/AMP sequence variant interpretation guidelines (Richards et al. 2015 PMID: 25741868, with internal and published modifications).